The following is an entry in ClinVar:

NM_000465.4(BARD1):c.2191C>G (p.Arg731Gly)

Gene: BARD1 (BRCA1 associated RING domain 1; minus strand). Cytogenetic location: 2q35.
Variant type: single nucleotide variant.
Coding change: c.2191C>G on transcript NM_000465.4 (MANE Select); coding-DNA position 2191, C replaced by G.
Protein change: p.Arg731Gly; replaces arginine 731 with glycine.
Molecular consequence: missense variant. On other transcripts: non-coding transcript variant (3).
Genome position (GRCh38, 1-based): chr2:214,728,819, G>C on the plus strand (C>G on the coding strand, the complement: BARD1 is on the minus strand). VCF-style: chr2-214728819-G-C. GRCh37 (hg19) VCF-style: chr2-215593543-G-C.
Other names: p.R731G:CGC>GGC; NP_000456.2:p.Arg731Gly; c.2134C>G, p.Arg712Gly (NM_001282543.2); c.838C>G, p.Arg280Gly (NM_001282545.2); c.781C>G, p.Arg261Gly (NM_001282548.2); c.652C>G, p.Arg218Gly (NM_001282549.2); short protein forms R731G, R218G, R261G, R712G, R280G.
Identifiers: ClinVar variation 127732 (VCV000127732.46), dbSNP rs76744638, ClinGen allele CA287535.
Genomic context (GRCh38, chr2:214,728,819, plus strand): 5'-GAACCCTCTCTGGGTGATAATTACACAAATCTTCATAGATGATATACTGTGTGCAGAAGC[G>C]CTGATCAGAATCGGGTCTCGCATGGTATGCGACTGTATTGATGGTCTGAGTCACGTCACT-3'
Protein context (NP_000456.2, residues 721-741): AYHARPDSDQ[Arg731Gly]FCTQYIIYED

ClinVar aggregate classification (germline): Conflicting classifications of pathogenicity. Review status: criteria provided, conflicting classifications (1 of 4 stars). 20 submissions from 20 submitters: Uncertain significance (1); Benign (6); Likely benign (11). 2 of the submissions do not count toward it. Last evaluated 2026-02-04.

Conditions:
Breast and/or ovarian cancer. Identifiers: MedGen CN221562.
Hereditary cancer. Identifiers: MedGen C1333600.
Hereditary cancer-predisposing syndrome. Also called: Tumor predisposition; Hereditary neoplastic syndrome; Neoplastic Syndromes, Hereditary; Hereditary Cancer Syndrome. Identifiers: Orphanet 140162, MedGen C0027672, MeSH D009386, MONDO:0015356.
Hereditary breast ovarian cancer syndrome. Also called: Hereditary breast and ovarian cancer syndrome (HBOC); Hereditary breast and ovarian cancer; Hereditary breast and ovarian cancer syndrome; Breast and ovarian cancer; Hereditary breast and/or ovarian cancer syndrome; BRCA1- and BRCA2-Associated Hereditary Breast and Ovarian Cancer. Identifiers: Orphanet 145, MedGen C0677776, MeSH D061325, MONDO:0003582. Disease mechanism: loss of function.
Familial cancer of breast. Also called: Hereditary breast cancer; hereditary breast carcinoma; BREAST CANCER, FAMILIAL. Identifiers: Orphanet 227535, MedGen C0346153, MONDO:0016419, OMIM 114480. Disease mechanism: loss of function.
Malignant tumor of breast. Also called: Malignant breast neoplasm; Cancer breast. Identifiers: MedGen C0006142, MONDO:0007254. Disease mechanism: loss of function.

Allele frequency attached by ClinVar (database versions not stated): 1000 Genomes Project 0.00180; ESP Exome Variant Server 0.00208; TOPMed 0.00209; 1000 Genomes Project 30x 0.00234.
gnomAD v4.1: 593 of 1,614,210 alleles (0.037%); highest among the groups gnomAD compares: African/African-American, 0.73%; no homozygotes.

Submissions (20):

Labcorp Genetics (formerly Invitae), Labcorp
Classification: Benign for Familial cancer of breast. Last evaluated: 2026-02-04. Review status: criteria provided, single submitter. Criteria: Invitae Variant Classification Sherloc (09022015). Collection method: clinical testing. Allele origin: germline.

Center for Genomic Medicine, Rigshospitalet, Copenhagen University Hospital
Classification: Likely benign. Last evaluated: 2025-03-04. Review status: criteria provided, single submitter. Criteria: ACMG Guidelines, 2015. Collection method: clinical testing. Allele origin: germline.

CeGaT Center for Human Genetics Tuebingen
Classification: Likely benign. Last evaluated: 2025-03-01. Review status: criteria provided, single submitter. Criteria: CeGaT Center For Human Genetics Tuebingen Variant Classification Criteria Version 2. Collection method: clinical testing. Allele origin: germline. Affected: yes. Observed: 1 variant allele.
Comment: BARD1: BP4, BS1

Institute for Biomarker Research, Medical Diagnostic Laboratories, L.L.C.
Classification: Benign for Hereditary cancer-predisposing syndrome. Last evaluated: 2025-02-06. Review status: criteria provided, single submitter. Criteria: ACMG Guidelines, 2015. Collection method: clinical testing. Allele origin: germline.
Comment: The missense variant NM_000465.4(BARD1):c.2191C>G (p.Arg731Gly) has not been reported previously as a pathogenic variant, to our knowledge. The p.Arg731Gly variant is observed in 9/5,008 (0.1797%) alleles from individuals of 1kG All background in 1kG, which is greater than expected for the disorder. There is a moderate physicochemical difference between arginine and glycine. For these reasons, this variant has been classified as Benign.

Blueprint Genetics
Classification: Likely benign. Last evaluated: 2024-11-14. Review status: criteria provided, single submitter. Criteria: ACMG Guidelines, 2015. Collection method: clinical testing. Allele origin: germline.

ARUP Laboratories, Molecular Genetics and Genomics, ARUP Laboratories
Classification: Benign for Familial cancer of breast. Last evaluated: 2024-10-11. Review status: criteria provided, single submitter. Criteria: ARUP Molecular Germline Variant Investigation Process 2024. Collection method: clinical testing. Allele origin: germline.

Mendelics
Classification: Likely benign for Hereditary cancer. Last evaluated: 2024-01-23. Review status: criteria provided, single submitter. Criteria: ACMG Guidelines, 2015. Collection method: clinical testing. Allele origin: unknown.

Myriad Genetics, Inc.
Classification: Likely benign for Familial cancer of breast. Last evaluated: 2023-02-24. Review status: criteria provided, single submitter. Criteria: Myriad Autosomal Dominant, Autosomal Recessive and X-Linked Classification Criteria (2023). Collection method: clinical testing. Allele origin: unknown.
Comment: This variant is considered likely benign. This variant is strongly associated with less severe personal and family histories of cancer, typical for individuals without pathogenic variants in this gene [PMID: 25085752].

CHEO Genetics Diagnostic Laboratory, Children's Hospital of Eastern Ontario
Classification: Likely benign for Breast and/or ovarian cancer. Last evaluated: 2022-12-05. Review status: criteria provided, single submitter. Criteria: ACMG Guidelines, 2015. Collection method: clinical testing. Allele origin: germline.

Quest Diagnostics Nichols Institute San Juan Capistrano
Classification: Benign. Last evaluated: 2022-09-28. Review status: criteria provided, single submitter. Criteria: Quest Diagnostics criteria. Collection method: clinical testing. Allele origin: unknown.

National Health Laboratory Service, Universitas Academic Hospital and University of the Free State
Classification: Uncertain significance for Hereditary breast ovarian cancer syndrome. Last evaluated: 2022-04-19. Review status: criteria provided, single submitter. Criteria: ACMG Guidelines, 2015. Collection method: clinical testing. Allele origin: germline. Affected: yes. Observed: 1 variant allele.

GeneDx
Classification: Likely benign. Last evaluated: 2021-07-30. Review status: criteria provided, single submitter. Criteria: GeneDx Variant Classification Process June 2021. Collection method: clinical testing. Allele origin: germline. Affected: yes.
Comment: This variant is associated with the following publications: (PMID: 23056176, 26350354, 26787654, 27978560, 28301460)

Genetic Services Laboratory, University of Chicago
Classification: Benign. Last evaluated: 2021-05-25. Review status: criteria provided, single submitter. Criteria: ACMG Guidelines, 2015. Collection method: clinical testing. Allele origin: germline. Affected: no.

Sema4
Classification: Likely benign for Hereditary cancer-predisposing syndrome. Last evaluated: 2021-03-14. Review status: criteria provided, single submitter. Criteria: Sema4 Curation Guidelines. Collection method: curation. Allele origin: germline.

Ambry Genetics
Classification: Likely benign for Hereditary cancer-predisposing syndrome. Last evaluated: 2018-09-16. Review status: criteria provided, single submitter. Criteria: Ambry Variant Classification Scheme 2023. Collection method: clinical testing. Allele origin: germline.

Illumina Laboratory Services, Illumina
Classification: Likely benign for Familial cancer of breast. Last evaluated: 2018-01-12. Review status: criteria provided, single submitter. Criteria: ICSL Variant Classification Criteria 13 December 2019. Collection method: clinical testing. Allele origin: germline.
Comment: This variant was observed in the ICSL laboratory as part of a predisposition screen in an ostensibly healthy population. It had not been previously curated by ICSL or reported in the Human Gene Mutation Database (HGMD: prior to June 1st, 2018), and was therefore a candidate for classification through an automated scoring system. Utilizing variant allele frequency, disease prevalence and penetrance estimates, and inheritance mode, an automated score was calculated to assess if this variant is too frequent to cause the disease. Based on the score and internal cut-off values, a variant classified as likely benign is not then subjected to further curation. The score for this variant resulted in a classification of likely benign for this disease.

PreventionGenetics, part of Exact Sciences
Classification: Likely benign. Last evaluated: 2016-10-03. Review status: criteria provided, single submitter. Criteria: ACMG Guidelines, 2015. Collection method: clinical testing. Allele origin: germline.

Color Diagnostics, LLC DBA Color Health
Classification: Benign for Hereditary cancer-predisposing syndrome. Last evaluated: 2015-09-22. Review status: criteria provided, single submitter. Criteria: ACMG Guidelines, 2015. Collection method: clinical testing. Allele origin: germline.

Counsyl
Classification: Likely benign for Familial cancer of breast. Last evaluated: 2018-02-01. Review status: no assertion criteria provided. Collection method: clinical testing. Allele origin: unknown. Not counted in ClinVar's aggregate classification.

Department of Pathology and Laboratory Medicine, Sinai Health System
Classification: Uncertain significance for Malignant tumor of breast. Review status: no assertion criteria provided. Collection method: clinical testing. Allele origin: unknown. Affected: yes. Observed: 1 variant allele. Study: The Canadian Open Genetics Repository (COGR). Not counted in ClinVar's aggregate classification.
Comment: The BARD1 p.Arg731Gly variant was identified in 1 of 2520 proband chromosomes (frequency: 0.0004) from individuals or families with Lynch syndrome (Yurgelun 2015). In addition, a functional study of SNPs in the BARD1 gene, using bioinformatics tools (such as in silico splicing, computational pathogenicity predictions, biochemical properties, energy minimization and RMSD) identified this variant as probably deleterious (Alshatwi 2012). The variant was also identified in the following databases: dbSNP (ID: rs76744638) as â€šÃ„ÃºWith Uncertain significance alleleâ€šÃ„Ã¹, ClinVar (4x, with conflicting interpretations, as likely benign by GeneDx and Ambry, benign by Invitae, uncertain significance by Illumina), Clinvitae (4x, with conflicting interpretations, as likely benign uncertain significance and benign), Cosmic (1x, as pathogenic in esophagus carcinoma), Zhejiang Colon Cancer Database (1x, "reported as pathogenic"). The variant was not identified in MutDB, database. The variant was identified in control databases in 174 of 277038 chromosomes at a frequency of 0.0006 in the following populations: African in 171 of 24028 chromosomes (freq. 0.007), Latino in 3 of 6460 chromosomes (freq. 0.00009), increasing the likelihood that this may be a low frequency variant in certain populations of origin (Genome Aggregation Consortium Feb 27, 2017). The p.Arg731 residue is conserved in mammals and computational analyses (PolyPhen-2, SIFT, AlignGVGD, BLOSUM, MutationTaster) provide inconsistent predictions regarding the impact to the protein; this information is not very predictive of pathogenicity. The variant occurs outside of the splicing consensus sequence and 1 of 5 in silico or computational prediction software programs (SpliceSiteFinder, MaxEntScan, NNSPLICE, GeneSplicer, HumanSpliceFinder) predict a greater than 10% difference in splicing; this is not very predictive of pathogenicity. In summary, based on the above information the clinical significance of this variant cannot be determined with certainty at this time. This variant is classified as a variant of uncertain significance.

Literature cited by the submitters: PubMed 30925164 (cited by Center for Genomic Medicine, Rigshospitalet, Copenhagen University Hospital); PubMed 26350354 (cited by 3 submitters); PubMed 25085752 (cited by Myriad Genetics, Inc.); PubMed 23056176 (cited by Quest Diagnostics Nichols Institute San Juan Capistrano); PubMed 25186627 (cited by Quest Diagnostics Nichols Institute San Juan Capistrano and Counsyl); PubMed 26787654 (cited by Quest Diagnostics Nichols Institute San Juan Capistrano); PubMed 27978560 (cited by Quest Diagnostics Nichols Institute San Juan Capistrano and Counsyl); PubMed 27621404 (cited by Counsyl).